The following is an entry in ClinVar:

ClinVar aggregate classification (germline): Uncertain significance. Review status: criteria provided, multiple submitters, no conflicts (2 of 4 stars). 3 submissions from 3 submitters: Uncertain significance (2). 1 of the submissions does not count toward it. Last evaluated 2023-02-14.

Conditions:
Inborn genetic diseases. Identifiers: MedGen C0950123, MeSH D030342.
TJP2-related disorder. Also called: TJP2-related condition.

Allele frequency attached by ClinVar (database versions not stated): gnomAD 0.00013; TOPMed 0.00018; 1000 Genomes Project 0.00020; ExAC 0.00005; ESP Exome Variant Server 0.00008; 1000 Genomes Project 30x 0.00016.
gnomAD v4.1: 34 of 1,614,090 alleles (0.0021%); highest among the groups gnomAD compares: African/African-American, 0.044%; no homozygotes.

Submissions (3):

Ambry Genetics
Classification: Uncertain significance for Inborn genetic diseases. Last evaluated: 2023-02-14. Review status: criteria provided, single submitter. Criteria: Ambry Variant Classification Scheme 2023. Collection method: clinical testing. Allele origin: germline.

Eurofins Ntd Llc (ga)
Classification: Uncertain significance. Last evaluated: 2017-05-08. Review status: criteria provided, single submitter. Criteria: EGL Classification Definitions 2015. Collection method: clinical testing. Allele origin: germline. Observed: 2 variant alleles, 2 heterozygotes.

PreventionGenetics, part of Exact Sciences
Classification: Uncertain significance for TJP2-related condition. Last evaluated: 2024-06-18. Review status: no assertion criteria provided. Collection method: clinical testing. Allele origin: germline. Not counted in ClinVar's aggregate classification.
Comment: The TJP2 c.3140G>C variant is predicted to result in the amino acid substitution p.Arg1047Pro. To our knowledge, this variant has not been reported in the literature. This variant is reported in 0.052% of alleles in individuals of African descent in gnomAD. Although we suspect that this variant may be benign, at this time, the clinical significance of this variant is uncertain due to the absence of conclusive functional and genetic evidence.

NM_004817.4(TJP2):c.3140G>C (p.Arg1047Pro)

Gene: TJP2 (tight junction protein 2; plus strand). Cytogenetic location: 9q21.11.
Variant type: single nucleotide variant.
Coding change: c.3140G>C on transcript NM_004817.4 (MANE Select); coding-DNA position 3140, G replaced by C.
Protein change: p.Arg1047Pro; replaces arginine 1047 with proline.
Molecular consequence: missense variant. On other transcripts: intron variant (3).
Genome position (GRCh38, 1-based): chr9:69,251,183, G>C. VCF-style: chr9-69251183-G-C. GRCh37 (hg19) VCF-style: chr9-71866099-G-C.
Other names: c.3140G>C, p.Arg1047Pro (LRG_1201t1); c.3041G>C, p.Arg1014Pro (NM_001170415.1); c.3233G>C, p.Arg1078Pro (NM_001170416.2); c.3065G>C, p.Arg1022Pro (NM_001369870.1); c.3071G>C, p.Arg1024Pro (NM_001369871.1); c.3029G>C, p.Arg1010Pro (NM_001369872.1); c.2816G>C, p.Arg939Pro (NM_001369873.1); c.3152G>C, p.Arg1051Pro (NM_001369875.1); and 4 more; short protein forms R1047P, R1010P, R1014P, R1022P, R1024P, R1051P, R1078P, R939P.
Identifiers: ClinVar variation 501935 (VCV000501935.8), dbSNP rs191327525, ClinGen allele CA5073891.